The following is an entry in ClinVar:

ClinVar aggregate classification (germline): Likely pathogenic. Review status: criteria provided, multiple submitters, no conflicts (2 of 4 stars). 2 submissions from 2 submitters: Likely pathogenic (2). Last evaluated 2023-02-23.

Conditions:
Charcot-Marie-Tooth disease type 1B. Also called: HEREDITARY MOTOR AND SENSORY NEUROPATHY I; HEREDITARY MOTOR AND SENSORY NEUROPATHY IB; Charcot-Marie-Tooth disease, demyelinating, type 1b; Hereditary motor and sensory neuropathy 1B; Charcot-Marie-Tooth disease, type IB; CHARCOT-MARIE-TOOTH DISEASE, AUTOSOMAL DOMINANT, WITH FOCALLY FOLDED MYELIN SHEATHS, TYPE 1B. Identifiers: Orphanet 101082, MedGen C0270912, MONDO:0007307, OMIM 118200.
Charcot-Marie-Tooth disease, type I (CMT1). Also called: Charcot-Marie-Tooth, Type 1; Charcot-Marie-Tooth disease type 1. Identifiers: Orphanet 65753, MedGen C0751036, MONDO:0019011.

Submissions (2):

3billion
Classification: Likely pathogenic for Charcot-Marie-Tooth disease type 1B. Last evaluated: 2023-02-23. Review status: criteria provided, single submitter. Criteria: ACMG Guidelines, 2015. Collection method: clinical testing. Allele origin: unknown. Affected: yes.
Comment: The variant is not observed in the gnomAD v2.1.1 dataset. Same nucleotide change resulting in same amino acid change has been previously reported as pathogenic/likely pathogenic with strong evidence (ClinVar ID: VCV000861910). A different missense change at the same codon (p.Ile135Thr) has been reported as pathogenic/likely pathogenic with strong evidence (ClinVar ID: VCV000014172). Therefore, this variant is classified as Likely pathogenic according to the recommendation of ACMG/AMP guideline.

Labcorp Genetics (formerly Invitae), Labcorp
Classification: Likely pathogenic for Charcot-Marie-Tooth disease, type I. Last evaluated: 2019-12-02. Review status: criteria provided, single submitter. Criteria: Invitae Variant Classification Sherloc (09022015). Collection method: clinical testing. Allele origin: germline.
Comment: In summary, the currently available evidence indicates that the variant is pathogenic, but additional data are needed to prove that conclusively. Therefore, this variant has been classified as Likely Pathogenic. This variant disrupts the p.Ile135 amino acid residue in MPZ. Other variant(s) that disrupt this residue have been determined to be pathogenic (PMID: 8664899). This suggests that this residue is clinically significant, and that variants that disrupt this residue are likely to be disease-causing. Algorithms developed to predict the effect of missense changes on protein structure and function are either unavailable or do not agree on the potential impact of this missense change (SIFT: "Tolerated"; PolyPhen-2: "Benign"; Align-GVGD: "Class C0"). This variant has been observed in individual(s) with Dejerine-Sottas syndrome (PMID: 12090401). In at least one individual the variant was observed to be de novo. This variant is not present in population databases (ExAC no frequency). This sequence change replaces isoleucine with leucine at codon 135 of the MPZ protein (p.Ile135Leu). The isoleucine residue is highly conserved and there is a small physicochemical difference between isoleucine and leucine.

Literature cited by the submitters: PubMed 8664899 (cited by Labcorp Genetics (formerly Invitae), Labcorp); PubMed 12090401 (cited by Labcorp Genetics (formerly Invitae), Labcorp).

NM_000530.8(MPZ):c.403A>T (p.Ile135Leu)

Gene: MPZ (myelin protein zero; minus strand). Cytogenetic location: 1q23.3.
Variant type: single nucleotide variant.
Coding change: c.403A>T on transcript NM_000530.8 (MANE Select); coding-DNA position 403, A replaced by T.
Protein change: p.Ile135Leu; replaces isoleucine 135 with leucine.
Molecular consequence: missense variant.
Genome position (GRCh38, 1-based): chr1:161,306,753, T>A on the plus strand (A>T on the coding strand, the complement: MPZ is on the minus strand). VCF-style: chr1-161306753-T-A. GRCh37 (hg19) VCF-style: chr1-161276543-T-A.
Other names: c.403A>T, p.Ile135Leu (NM_001315491.2); short protein forms I135L.
Identifiers: ClinVar variation 861910 (VCV000861910.10), dbSNP rs879253858, ClinGen allele CA343348638.